The following is an entry in ClinVar:

ClinVar aggregate classification (germline): Uncertain significance. Review status: criteria provided, multiple submitters, no conflicts (2 of 4 stars). 3 submissions from 3 submitters: Uncertain significance (3). Last evaluated 2025-02-05.

Conditions:
Heterotaxy, visceral, 8, autosomal (HTX8). Identifiers: MedGen C4310668, MONDO:0014967, OMIM 617205.
PKD1L1-related disorder. Also called: PKD1L1-related condition.
Inborn genetic diseases. Identifiers: MedGen C0950123, MeSH D030342.

Allele frequency attached by ClinVar (database versions not stated): ESP Exome Variant Server 0.00015; 1000 Genomes Project 30x 0.00016; gnomAD 0.00005; TOPMed 0.00006; gnomAD exomes 0.00008; ExAC 0.00012.
gnomAD v4.1: 126 of 1,614,060 alleles (0.0078%); highest among the groups gnomAD compares: Non-Finnish European, 0.01%; no homozygotes.

Submissions (3):

PreventionGenetics, part of Exact Sciences
Classification: Uncertain significance for PKD1L1-related condition. Last evaluated: 2025-02-05. Review status: criteria provided, single submitter. Criteria: ACMG Guidelines, 2015. Collection method: clinical testing. Allele origin: germline.
Comment: The PKD1L1 c.8059C>T variant is predicted to result in the amino acid substitution p.Pro2687Ser. To our knowledge, this variant has not been reported in the literature. This variant is reported in 0.016% of alleles in individuals of European (Non-Finnish) descent in gnomAD. At this time, the clinical significance of this variant is uncertain due to the absence of conclusive functional and genetic evidence.

Ambry Genetics
Classification: Uncertain significance for Inborn genetic diseases. Last evaluated: 2024-09-02. Review status: criteria provided, single submitter. Criteria: Ambry Variant Classification Scheme 2023. Collection method: clinical testing. Allele origin: germline.

Revvity Omics, Revvity
Classification: Uncertain significance for Heterotaxy, visceral, 8, autosomal. Last evaluated: 2021-12-02. Review status: criteria provided, single submitter. Criteria: ACMG Guidelines, 2015. Collection method: clinical testing. Allele origin: germline.

NM_138295.5(PKD1L1):c.8059C>T (p.Pro2687Ser)

Genes: PKD1L1 (polycystin 1 like 1, transient receptor potential channel interacting; minus strand), PKD1L1-AS1 (PKD1L1 antisense RNA 1; plus strand). Cytogenetic location: 7p12.3.
Variant type: single nucleotide variant.
Coding change: c.8059C>T on transcript NM_138295.5 (MANE Select); coding-DNA position 8059, C replaced by T.
Protein change: p.Pro2687Ser; replaces proline 2687 with serine.
Molecular consequence: missense variant.
Genome position (GRCh38, 1-based): chr7:47,800,783, G>A on the plus strand (C>T on the coding strand, the complement: PKD1L1 is on the minus strand). VCF-style: chr7-47800783-G-A. GRCh37 (hg19) VCF-style: chr7-47840381-G-A.
Other names: c.8059C>T (NM_138295.3); short protein forms P2687S.
Identifiers: ClinVar variation 2434873 (VCV002434873.5), dbSNP rs141837186, ClinGen allele CA4251828.